The following is an entry in ClinVar:

ClinVar aggregate classification (germline): Uncertain significance (1 of 4 stars; one submission).

Conditions:
Autosomal recessive limb-girdle muscular dystrophy type 2Q (LGMDR17). Also called: MUSCULAR DYSTROPHY, LIMB-GIRDLE, AUTOSOMAL RECESSIVE 17. Identifiers: Orphanet 254361, MedGen C3150989, MONDO:0013390, OMIM 613723.
Epidermolysis bullosa simplex with nail dystrophy (EBS5D). Identifiers: MedGen C4225309, MONDO:0014661, OMIM 616487.
Epidermolysis bullosa simplex 5B, with muscular dystrophy (EBS5B). Also called: EPIDERMOLYSIS BULLOSA SIMPLEX AND LIMB-GIRDLE MUSCULAR DYSTROPHY; Epidermolysis bullosa simplex with muscular dystrophy. Identifiers: Orphanet 257, MedGen C2931072, MONDO:0009181, OMIM 226670.
Epidermolysis bullosa simplex, Ogna type (EBS5A). Also called: EPIDERMOLYSIS BULLOSA SIMPLEX 5A, OGNA TYPE; Pidermolysis bullosa simplex 5A, Ogna type. Identifiers: Orphanet 79401, MedGen C0432317, MONDO:0007555, OMIM 131950.
Epidermolysis bullosa simplex 5C, with pyloric atresia (EBS5C). Also called: PLEC-Related Epidermolysis Bullosa with Pyloric Atresia; Epidermolysis bullosa simplex with pyloric atresia; PLEC1-Related Epidermolysis Bullosa with Pyloric Atresia. Identifiers: Orphanet 158684, MedGen C2677349, MONDO:0012807, OMIM 612138.

Submission:

Labcorp Genetics (formerly Invitae), Labcorp
Classification: Uncertain significance for Autosomal recessive limb-girdle muscular dystrophy type 2Q; Epidermolysis bullosa simplex, Ogna type; Epidermolysis bullosa simplex with nail dystrophy; Epidermolysis bullosa simplex 5C, with pyloric atresia; Epidermolysis bullosa simplex 5B, with muscular dystrophy. Last evaluated: 2017-06-27. Review status: criteria provided, single submitter. Criteria: Invitae Variant Classification Sherloc (09022015). Collection method: clinical testing. Allele origin: germline.
Comment: This sequence change replaces leucine with valine at codon 4189 of the PLEC protein (p.Leu4189Val). The leucine residue is highly conserved and there is a small physicochemical difference between leucine and valine. This variant is not present in population databases (ExAC no frequency). This variant has not been reported in the literature in individuals with a PLEC-related disease. Algorithms developed to predict the effect of missense changes on protein structure and function (SIFT, PolyPhen-2, Align-GVGD) all suggest that this variant is likely to be disruptive, but these predictions have not been confirmed by published functional studies and their clinical significance is uncertain. In summary, this variant has uncertain impact on PLEC function. The available evidence is currently insufficient to determine its role in disease. Therefore, it has been classified as a Variant of Uncertain Significance.

NM_201384.3(PLEC):c.12484C>G (p.Leu4162Val)

Gene: PLEC (plectin; minus strand). Cytogenetic location: 8q24.3.
Variant type: single nucleotide variant.
Coding change: c.12484C>G on transcript NM_201384.3 (MANE Select); coding-DNA position 12484, C replaced by G.
Protein change: p.Leu4162Val; replaces leucine 4162 with valine.
Molecular consequence: missense variant.
Genome position (GRCh38, 1-based): chr8:143,917,337, G>C on the plus strand (C>G on the coding strand, the complement: PLEC is on the minus strand). VCF-style: chr8-143917337-G-C. GRCh37 (hg19) VCF-style: chr8-144991505-G-C.
Other names: c.12565C>G, p.Leu4189Val (NM_000445.5); c.12442C>G, p.Leu4148Val (NM_201378.4); c.12418C>G, p.Leu4140Val (NM_201379.3); c.12895C>G, p.Leu4299Val (NM_201380.4); c.12388C>G, p.Leu4130Val (NM_201381.3); c.12484C>G, p.Leu4162Val (NM_201382.4); c.12496C>G, p.Leu4166Val (NM_201383.3); short protein forms L4130V, L4140V, L4148V, L4162V, L4166V, L4189V, L4299V.
Identifiers: ClinVar variation 487243 (VCV000487243.1), dbSNP rs1554671816, ClinGen allele CA372481438.